The following is an entry in ClinVar:

ClinVar aggregate classification (germline): Conflicting classifications of pathogenicity. Review status: criteria provided, conflicting classifications (1 of 4 stars). 2 submissions from 2 submitters: Uncertain significance (1); Likely benign (1). Last evaluated 2025-05-21.

Conditions:
Primary pulmonary hypertension. Also called: Idiopathic pulmonary hypertension. Identifiers: MedGen C0152171.
Inborn genetic diseases. Identifiers: MedGen C0950123, MeSH D030342.

Allele frequency attached by ClinVar (database versions not stated): TOPMed below 0.00001; ExAC 0.00007; gnomAD exomes 0.00008.
gnomAD v4.1: 62 of 1,614,228 alleles (0.0038%); highest among the groups gnomAD compares: South Asian, 0.066%; 2 homozygotes.

Submissions (2):

Ambry Genetics
Classification: Uncertain significance for Inborn genetic diseases. Last evaluated: 2025-05-21. Review status: criteria provided, single submitter. Criteria: Ambry Variant Classification Scheme 2023. Collection method: clinical testing. Allele origin: germline.
Comment: The p.G882D variant (also known as c.2645G>A), located in coding exon 12 of the BMPR2 gene, results from a G to A substitution at nucleotide position 2645. The glycine at codon 882 is replaced by aspartic acid, an amino acid with similar properties. This amino acid position is conserved. In addition, the in silico prediction for this alteration is inconclusive. Based on the available evidence, the clinical significance of this variant remains unclear.

Labcorp Genetics (formerly Invitae), Labcorp
Classification: Likely benign for Primary pulmonary hypertension. Last evaluated: 2024-09-30. Review status: criteria provided, single submitter. Criteria: Invitae Variant Classification Sherloc (09022015). Collection method: clinical testing. Allele origin: germline.

NM_001204.7(BMPR2):c.2645G>A (p.Gly882Asp)

Gene: BMPR2 (bone morphogenetic protein receptor type 2; plus strand). Cytogenetic location: 2q33.2.
Variant type: single nucleotide variant.
Coding change: c.2645G>A on transcript NM_001204.7 (MANE Select); coding-DNA position 2645, G replaced by A.
Protein change: p.Gly882Asp; replaces glycine 882 with aspartic acid.
Molecular consequence: missense variant.
Genome position (GRCh38, 1-based): chr2:202,556,310, G>A. VCF-style: chr2-202556310-G-A. GRCh37 (hg19) VCF-style: chr2-203421033-G-A.
Other names: c.2645G>A (NM_001204.6); short protein forms G882D.
Identifiers: ClinVar variation 1574929 (VCV001574929.9), dbSNP rs777302843, ClinGen allele CA2061558.